The following is an entry in ClinVar:

ClinVar aggregate classification (germline): Uncertain significance (1 of 4 stars; one submission).

Submission:

GeneDx
Classification: Uncertain significance. Last evaluated: 2025-06-30. Review status: criteria provided, single submitter. Criteria: GeneDx Variant Classification Process June 2021. Collection method: clinical testing. Allele origin: germline. Affected: yes.
Comment: Not observed at significant frequency in large population cohorts (gnomAD); Missense variant in a gene in which most reported pathogenic variants are truncating/loss of function; Has not been previously published as pathogenic or benign to our knowledge

NM_001267550.2(TTN):c.65357G>A (p.Gly21786Asp)

Genes: TTN (titin; minus strand), TTN-AS1 (TTN antisense RNA 1; plus strand). Cytogenetic location: 2q31.2.
Variant type: single nucleotide variant.
Coding change: c.65357G>A on transcript NM_001267550.2 (MANE Select); coding-DNA position 65357, G replaced by A.
Protein change: p.Gly21786Asp; replaces glycine 21786 with aspartic acid.
Molecular consequence: missense variant. On other transcripts: non-coding transcript variant (1).
Genome position (GRCh38, 1-based): chr2:178,583,825, C>T on the plus strand (G>A on the coding strand, the complement: TTN is on the minus strand). VCF-style: chr2-178583825-C-T. GRCh37 (hg19) VCF-style: chr2-179448552-C-T.
Other names: c.38738G>A, p.Gly12913Asp (NM_133437.4); c.60434G>A, p.Gly20145Asp (NM_001256850.1); c.38162G>A, p.Gly12721Asp (NM_003319.4); c.57653G>A, p.Gly19218Asp (NM_133378.4); c.38537G>A, p.Gly12846Asp (NM_133432.3); short protein forms G12721D, G12846D, G12913D, G19218D, G20145D, G21786D.
Identifiers: ClinVar variation 4680912 (VCV004680912.1).